The following is an entry in ClinVar:

ClinVar aggregate classification (germline): Likely pathogenic (1 of 4 stars; one submission).

Conditions:
Familial hemophagocytic lymphohistiocytosis 3 (FHL3). Also called: UNC13D-Related Familial Hemophagocytic Lymphohistiocytosis (UNC13D-fHLH). Identifiers: Orphanet 540, MedGen C1837174, MONDO:0012146, OMIM 608898.

Submission:

Labcorp Genetics (formerly Invitae), Labcorp
Classification: Likely pathogenic for Familial hemophagocytic lymphohistiocytosis 3. Last evaluated: 2023-08-20. Review status: criteria provided, single submitter. Criteria: Invitae Variant Classification Sherloc (09022015). Collection method: clinical testing. Allele origin: germline.
Comment: Algorithms developed to predict the effect of sequence changes on RNA splicing suggest that this variant may disrupt the consensus splice site. This sequence change affects a donor splice site in intron 13 of the UNC13D gene. It is expected to disrupt RNA splicing. Variants that disrupt the donor or acceptor splice site typically lead to a loss of protein function (PMID: 16199547), and loss-of-function variants in UNC13D are known to be pathogenic (PMID: 14622600). This variant is not present in population databases (gnomAD no frequency). This variant has not been reported in the literature in individuals affected with UNC13D-related conditions. In summary, the currently available evidence indicates that the variant is pathogenic, but additional data are needed to prove that conclusively. Therefore, this variant has been classified as Likely Pathogenic.

Literature cited by the submitters: PubMed 16199547; PubMed 14622600.

NM_199242.3(UNC13D):c.1173+1G>A

Gene: UNC13D (unc-13 homolog D; minus strand). Cytogenetic location: 17q25.1.
Variant type: single nucleotide variant.
Coding change: c.1173+1G>A on transcript NM_199242.3 (MANE Select); the canonical splice donor site of the intron after coding-DNA position 1173, G replaced by A.
Molecular consequence: splice donor variant.
Genome position (GRCh38, 1-based): chr17:75,836,800, C>T on the plus strand (G>A on the coding strand, the complement: UNC13D is on the minus strand). VCF-style: chr17-75836800-C-T. GRCh37 (hg19) VCF-style: chr17-73832881-C-T.
Identifiers: ClinVar variation 2754278 (VCV002754278.3), dbSNP rs2545982922, ClinGen allele CA401101464.
Genomic context (GRCh38, chr17:75,836,800, plus strand): 5'-TGCTCCCCTGCCCCTTCCCTGAGCCCTGCCTGCTCAGTGCCCCTTGCCACTGCATGCCTA[C>T]CTGTTCTGCCTTGAGCCGACCCTGGATCCACTGGTACTCGATGCTGGTGATGGGGTGCAG-3'